The following is an entry in ClinVar:

NM_001365276.2(TNXB):c.9293A>T (p.Asp3098Val)

Gene: TNXB (tenascin XB; minus strand). Cytogenetic location: 6p21.33.
Variant type: single nucleotide variant.
Coding change: c.9293A>T on transcript NM_001365276.2 (MANE Select); coding-DNA position 9293, A replaced by T.
Protein change: p.Asp3098Val; replaces aspartic acid 3098 with valine.
Molecular consequence: missense variant.
Genome position (GRCh38, 1-based): chr6:32,050,144, T>A on the plus strand (A>T on the coding strand, the complement: TNXB is on the minus strand). VCF-style: chr6-32050144-T-A. GRCh37 (hg19) VCF-style: chr6-32017921-T-A.
Other names: c.10034A>T, p.Asp3345Val (NM_001428335.1); c.9287A>T, p.Asp3096Val (NM_019105.8); short protein forms D3098V, D3096V, D3345V.
Identifiers: ClinVar variation 3459795 (VCV003459795.1).
Genomic context (GRCh38, chr6:32,050,144, plus strand): 5'-AGGCCTGAGATGGTGACCCCGTCCTCGTGCCCCGGCACCCGCACCGCCTTGGGCTGCCCA[T>A]CCCCATTCCTGTACTGGACCAGGAAGTGGTCAAACTGGCCCTCGGGAACCATCCAGGACA-3'
Protein context (NP_001352205.1, residues 3088-3108): DHFLVQYRNG[Asp3098Val]GQPKAVRVPG

ClinVar aggregate classification (germline): Uncertain significance (1 of 4 stars; one submission).

Conditions:
Cardiovascular phenotype. Identifiers: MedGen CN230736.

gnomAD v4.1: 1 of 1,613,820 alleles (0.000062%); highest among the groups gnomAD compares: Non-Finnish European, 0.000085%; no homozygotes.

Submission:

Ambry Genetics
Classification: Uncertain significance for Cardiovascular phenotype. Last evaluated: 2024-09-14. Review status: criteria provided, single submitter. Criteria: Ambry Variant Classification Scheme 2023. Collection method: clinical testing. Allele origin: germline.
Comment: The p.D3096V variant (also known as c.9287A>T), located in coding exon 26 of the TNXB gene, results from an A to T substitution at nucleotide position 9287. The aspartic acid at codon 3096 is replaced by valine, an amino acid with highly dissimilar properties. This amino acid position is conserved. In addition, the in silico prediction for this alteration is inconclusive. Based on the available evidence, the clinical significance of this variant remains unclear.